The following is an entry in ClinVar:

ClinVar aggregate classification (germline): Uncertain significance (1 of 4 stars; one submission).

Conditions:
Hereditary breast ovarian cancer syndrome. Also called: Hereditary breast and ovarian cancer syndrome (HBOC); Hereditary breast and ovarian cancer; Breast and ovarian cancer; Hereditary breast and/or ovarian cancer syndrome; BRCA1- and BRCA2-Associated Hereditary Breast and Ovarian Cancer; Hereditary breast and ovarian cancer syndrome. Identifiers: Orphanet 145, MedGen C0677776, MeSH D061325, MONDO:0003582. Disease mechanism: loss of function.

Submission:

Labcorp Genetics (formerly Invitae), Labcorp
Classification: Uncertain significance for Hereditary breast ovarian cancer syndrome. Last evaluated: 2025-08-18. Review status: criteria provided, single submitter. Criteria: Invitae Variant Classification Sherloc (09022015). Collection method: clinical testing. Allele origin: germline.
Comment: This sequence change replaces valine, which is neutral and non-polar, with alanine, which is neutral and non-polar, at codon 83 of the BRCA1 protein (p.Val83Ala). This variant is not present in population databases (gnomAD no frequency). This variant has not been reported in the literature in individuals affected with BRCA1-related conditions. Invitae Evidence Modeling of protein sequence and biophysical properties (such as structural, functional, and spatial information, amino acid conservation, physicochemical variation, residue mobility, and thermodynamic stability) has been performed for this missense variant. However, the output from this modeling did not meet the statistical confidence thresholds required to predict the impact of this variant on BRCA1 protein function. In summary, the available evidence is currently insufficient to determine the role of this variant in disease. Therefore, it has been classified as a Variant of Uncertain Significance.

NM_007294.4(BRCA1):c.248T>C (p.Val83Ala)

Gene: BRCA1 (BRCA1 DNA repair associated; minus strand). Cytogenetic location: 17q21.31.
Variant type: single nucleotide variant.
Coding change: c.248T>C on transcript NM_007294.4 (MANE Select); coding-DNA position 248, T replaced by C.
Protein change: p.Val83Ala; replaces valine 83 with alanine.
Molecular consequence: missense variant. On other transcripts: 5 prime UTR variant (7), intron variant (2).
Genome position (GRCh38, 1-based): chr17:43,104,921, A>G on the plus strand (T>C on the coding strand, the complement: BRCA1 is on the minus strand). VCF-style: chr17-43104921-A-G. GRCh37 (hg19) VCF-style: chr17-41256938-A-G.
Other names: c.170T>C, p.Val57Ala (NM_001407874.1, NM_001407875.1, NM_001407653.1 and 21 more transcripts); c.248T>C, p.Val83Ala (NM_001407863.1, NM_001407581.1, NM_001407582.1 and 167 more transcripts); c.38T>C, p.Val13Ala (NM_001407879.1, NM_001407881.1, NM_001407882.1 and 58 more transcripts); c.107T>C, p.Val36Ala (NM_001407692.1, NM_001407694.1, NM_001407695.1 and 99 more transcripts); c.-134T>C (NM_001407959.1, NM_001407960.1, NM_001407962.1 and 4 more transcripts); c.116T>C, p.Val39Ala (NM_001408451.1); c.-218-10061T>C (NM_001407967.1, NM_001407966.1); short protein forms V13A, V36A, V39A, V57A, V83A.
Identifiers: ClinVar variation 4800873 (VCV004800873.1).